The following is an entry in ClinVar:

NM_182746.3(MCM4):c.732CTT[1] (p.Phe246del)

Gene: MCM4 (minichromosome maintenance complex component 4; plus strand). Cytogenetic location: 8q11.21.
Variant type: Microsatellite.
Coding change: c.732CTT[1] on transcript NM_182746.3 (MANE Select); one copy of the 3-base unit CTT starting at c.732; the reference has two copies in a row; one copy, 3 bases deleted.
Protein change: p.Phe246del; deletes phenylalanine 246.
Molecular consequence: inframe deletion.
Genome position (GRCh38, 1-based): chr8:47,964,615-47,964,617, CTT deleted; deleting any 3 consecutive bases within chr8:47,964,611-47,964,617 gives the same sequence; the position shown is the placement nearest the transcript's 3' end. VCF-style (leftmost placement, unchanged base first): chr8-47964610-ATCT-A. GRCh37 (hg19) VCF-style: chr8-48877170-ATCT-A.
Other names: c.732CTT[1], p.Phe246del (NM_005914.4); c.735_737del (NM_005914.4); short protein forms F246del.
Identifiers: ClinVar variation 1944628 (VCV001944628.7), dbSNP rs767666486, ClinGen allele CA4742410.

ClinVar aggregate classification (germline): Uncertain significance. Review status: criteria provided, multiple submitters, no conflicts (2 of 4 stars). 2 submissions from 2 submitters: Uncertain significance (2). Last evaluated 2024-09-14.

Conditions:
Primary immunodeficiency with natural-killer cell deficiency and adrenal insufficiency (IMD54). Also called: Natural killer cell and glucocorticoid deficiency with DNA repair defect; IMMUNODEFICIENCY 54. Identifiers: Orphanet 75391, MedGen C1864947, MONDO:0012383, OMIM 609981.

Submissions (2):

Labcorp Genetics (formerly Invitae), Labcorp
Classification: Uncertain significance. Last evaluated: 2024-09-14. Review status: criteria provided, single submitter. Criteria: Invitae Variant Classification Sherloc (09022015). Collection method: clinical testing. Allele origin: germline.
Comment: This variant, c.735_737del, results in the deletion of 1 amino acid(s) of the MCM4 protein (p.Phe246del), but otherwise preserves the integrity of the reading frame. This variant is present in population databases (rs767666486, gnomAD 0.005%). This variant has not been reported in the literature in individuals affected with MCM4-related conditions. Experimental studies and prediction algorithms are not available or were not evaluated, and the functional significance of this variant is currently unknown. In summary, the available evidence is currently insufficient to determine the role of this variant in disease. Therefore, it has been classified as a Variant of Uncertain Significance.

Revvity Omics, Revvity
Classification: Uncertain significance for Primary immunodeficiency with natural-killer cell deficiency and adrenal insufficiency. Last evaluated: 2022-11-25. Review status: criteria provided, single submitter. Criteria: ACMG Guidelines, 2015. Collection method: clinical testing. Allele origin: germline.